The following is an entry in ClinVar:

ClinVar aggregate classification (germline): Uncertain significance (1 of 4 stars; one submission).

Conditions:
Autosomal recessive mendelian susceptibility to mycobacterial diseases due to complete RORgamma receptor deficiency. Also called: Immunodeficiency 42. Identifiers: Orphanet 477857, MedGen C5567647, MONDO:0014710, OMIM 616622.

Submission:

Labcorp Genetics (formerly Invitae), Labcorp
Classification: Uncertain significance for Autosomal recessive mendelian susceptibility to mycobacterial diseases due to complete RORgamma receptor deficiency. Last evaluated: 2022-08-10. Review status: criteria provided, single submitter. Criteria: Invitae Variant Classification Sherloc (09022015). Collection method: clinical testing. Allele origin: germline.
Comment: In summary, the available evidence is currently insufficient to determine the role of this variant in disease. Therefore, it has been classified as a Variant of Uncertain Significance. Algorithms developed to predict the effect of missense changes on protein structure and function are either unavailable or do not agree on the potential impact of this missense change (SIFT: "Deleterious"; PolyPhen-2: "Possibly Damaging"; Align-GVGD: "Class C0"). ClinVar contains an entry for this variant (Variation ID: 1365476). This variant has not been reported in the literature in individuals affected with RORC-related conditions. This variant is not present in population databases (gnomAD no frequency). This sequence change replaces valine, which is neutral and non-polar, with glycine, which is neutral and non-polar, at codon 28 of the RORC protein (p.Val28Gly).

NM_005060.4(RORC):c.83T>G (p.Val28Gly)

Gene: RORC (RAR related orphan receptor C; minus strand). Cytogenetic location: 1q21.3.
Variant type: single nucleotide variant.
Coding change: c.83T>G on transcript NM_005060.4 (MANE Select); coding-DNA position 83, T replaced by G.
Protein change: p.Val28Gly; replaces valine 28 with glycine.
Molecular consequence: missense variant.
Genome position (GRCh38, 1-based): chr1:151,817,268, A>C on the plus strand (T>G on the coding strand, the complement: RORC is on the minus strand). VCF-style: chr1-151817268-A-C. GRCh37 (hg19) VCF-style: chr1-151789744-A-C.
Other names: c.20T>G, p.Val7Gly (NM_001001523.2); short protein forms V28G, V7G.
Identifiers: ClinVar variation 1365476 (VCV001365476.6), dbSNP rs2101662490, ClinGen allele CA342020784.